The following is an entry in ClinVar:

NM_001271696.3(ABCB7):c.1365+3A>G

Gene: ABCB7 (ATP binding cassette subfamily B member 7; minus strand). Cytogenetic location: Xq13.3.
Variant type: single nucleotide variant.
Coding change: c.1365+3A>G on transcript NM_001271696.3 (MANE Select); 3 bases into the intron after coding-DNA position 1365, A replaced by G.
Molecular consequence: intron variant.
Genome position (GRCh38, 1-based): chrX:75,070,362, T>C on the plus strand (A>G on the coding strand, the complement: ABCB7 is on the minus strand). VCF-style: chrX-75070362-T-C. GRCh37 (hg19) VCF-style: chrX-74290197-T-C.
Other names: c.1287+3A>G (NM_001271698.3); c.1245+3A>G (NM_001271697.3); c.1248+3A>G (NM_001271699.3); c.1368+3A>G (NM_004299.6).
Identifiers: ClinVar variation 3363205 (VCV003363205.1).
Genomic context (GRCh38, chrX:75,070,362, plus strand): 5'-AATAATCCTACTAATAGGATGATGTTCACATACTTTTGAAAAGGTACTATATAGATTACT[T>C]ACTTTAATTTGGGTGTCTACCTTGAGTAGAGTAAACAAGGTGTTCATATCTATGAGTGCT-3'

ClinVar aggregate classification (germline): Uncertain significance (1 of 4 stars; one submission).

Submission:

GeneDx
Classification: Uncertain significance. Last evaluated: 2023-10-20. Review status: criteria provided, single submitter. Criteria: GeneDx Variant Classification Process June 2021. Collection method: clinical testing. Allele origin: germline. Affected: yes.
Comment: Has not been previously published as pathogenic or benign to our knowledge; In silico analysis suggests this variant may impact gene splicing. In the absence of RNA/functional studies, the actual effect of this sequence change is unknown.